The following is an entry in ClinVar:

NM_001303256.3(MORC2):c.2725G>A (p.Asp909Asn)

Gene: MORC2 (MORC family CW-type zinc finger 2; minus strand). Cytogenetic location: 22q12.2.
Variant type: single nucleotide variant.
Coding change: c.2725G>A on transcript NM_001303256.3 (MANE Select); coding-DNA position 2725, G replaced by A.
Protein change: p.Asp909Asn; replaces aspartic acid 909 with asparagine.
Molecular consequence: missense variant.
Genome position (GRCh38, 1-based): chr22:30,932,567, C>T on the plus strand (G>A on the coding strand, the complement: MORC2 is on the minus strand). VCF-style: chr22-30932567-C-T. GRCh37 (hg19) VCF-style: chr22-31328554-C-T.
Other names: c.2725G>A, p.Asp909Asn (NM_001303257.2); c.2539G>A, p.Asp847Asn (NM_014941.3); short protein forms D847N, D909N.
Identifiers: ClinVar variation 1700960 (VCV001700960.7), dbSNP rs770586964, ClinGen allele CA10186580.

ClinVar aggregate classification (germline): Uncertain significance. Review status: criteria provided, multiple submitters, no conflicts (2 of 4 stars). 4 submissions from 4 submitters: Uncertain significance (4). Last evaluated 2026-01-08.

Conditions:
Inborn genetic diseases. Identifiers: MedGen C0950123, MeSH D030342.
Developmental delay, impaired growth, dysmorphic facies, and axonal neuropathy. Identifiers: MedGen C5436781, MONDO:0030835, OMIM 619090.
Charcot-Marie-Tooth disease axonal type 2Z. Also called: CHARCOT-MARIE-TOOTH DISEASE, AXONAL, AUTOSOMAL DOMINANT, TYPE 2Z; CHARCOT-MARIE-TOOTH NEUROPATHY, TYPE 2Z. Identifiers: Orphanet 466768, MedGen C5569025, MONDO:0014736, OMIM 616688.

Allele frequency attached by ClinVar (database versions not stated): TOPMed below 0.00001; ExAC 0.00002; gnomAD exomes 0.00001.
gnomAD v4.1: 13 of 1,614,044 alleles (0.00081%); highest among the groups gnomAD compares: South Asian, 0.0011%; no homozygotes.

Submissions (4):

Labcorp Genetics (formerly Invitae), Labcorp
Classification: Uncertain significance for Charcot-Marie-Tooth disease axonal type 2Z. Last evaluated: 2026-01-08. Review status: criteria provided, single submitter. Criteria: Invitae Variant Classification Sherloc (09022015). Collection method: clinical testing. Allele origin: germline.
Comment: This sequence change replaces aspartic acid, which is acidic and polar, with asparagine, which is neutral and polar, at codon 909 of the MORC2 protein (p.Asp909Asn). This variant is present in population databases (rs770586964, gnomAD 0.003%). This variant has not been reported in the literature in individuals affected with MORC2-related conditions. ClinVar contains an entry for this variant (Variation ID: 1700960). Invitae Evidence Modeling of protein sequence and biophysical properties (such as structural, functional, and spatial information, amino acid conservation, physicochemical variation, residue mobility, and thermodynamic stability) has been performed for this missense variant. However, the output from this modeling did not meet the statistical confidence thresholds required to predict the impact of this variant on MORC2 protein function. In summary, the available evidence is currently insufficient to determine the role of this variant in disease. Therefore, it has been classified as a Variant of Uncertain Significance.

GeneDx
Classification: Uncertain significance. Last evaluated: 2022-02-11. Review status: criteria provided, single submitter. Criteria: GeneDx Variant Classification Process June 2021. Collection method: clinical testing. Allele origin: germline. Affected: yes.
Comment: Not observed at significant frequency in large population cohorts (gnomAD); In silico analysis supports that this missense variant does not alter protein structure/function; Has not been previously published as pathogenic or benign to our knowledge

Department of Pathology and Laboratory Medicine, Sinai Health System
Classification: Uncertain significance for Charcot-Marie-Tooth disease axonal type 2Z; Developmental delay, impaired growth, dysmorphic facies, and axonal neuropathy. Last evaluated: 2021-07-30. Review status: criteria provided, single submitter. Criteria: ACMG Guidelines, 2015. Collection method: research. Allele origin: germline.

Ambry Genetics
Classification: Uncertain significance for Inborn genetic diseases. Last evaluated: 2021-03-01. Review status: criteria provided, single submitter. Criteria: Ambry Variant Classification Scheme 2023. Collection method: clinical testing. Allele origin: germline.
Comment: The p.D909N variant (also known as c.2725G>A), located in coding exon 23 of the MORC2 gene, results from a G to A substitution at nucleotide position 2725. The aspartic acid at codon 909 is replaced by asparagine, an amino acid with highly similar properties. This amino acid position is highly conserved in available vertebrate species. In addition, this alteration is predicted to be tolerated by in silico analysis. Since supporting evidence is limited at this time, the clinical significance of this alteration remains unclear.